The following is an entry in ClinVar:

NM_001256627.2(BRSK2):c.1731G>A (p.Thr577=)

Gene: BRSK2 (BR serine/threonine kinase 2; plus strand). Cytogenetic location: 11p15.5.
Variant type: single nucleotide variant.
Coding change: c.1731G>A on transcript NM_001256627.2 (MANE Select); coding-DNA position 1731, G replaced by A.
Protein change: p.Thr577=; no amino-acid change (threonine 577 retained).
Molecular consequence: synonymous variant. On other transcripts: non-coding transcript variant (1).
Genome position (GRCh38, 1-based): chr11:1,456,410, G>A. VCF-style: chr11-1456410-G-A. GRCh37 (hg19) VCF-style: chr11-1477640-G-A.
Other names: c.1731G>A, p.Thr577= (NM_001256629.2, NM_003957.4); c.1869G>A, p.Thr623= (NM_001256630.1); c.1551G>A, p.Thr517= (NM_001282218.2).
Identifiers: ClinVar variation 2641343 (VCV002641343.24), dbSNP rs757214274, ClinGen allele CA5811197.
Genomic context (GRCh38, chr11:1,456,410, plus strand): 5'-TCCCAGTCTCAGCCACAGCGTCATCTCCCAAACGAGCTTCCGGGCCGAGTACAAGGCCAC[G>A]GGGGGGCCAGCCGTGTTCCAGAAGCCGGTCAAGTTCCAGGTTGATATCACCTACACGGAG-3'
Protein context (NP_001243556.1, residues 567-587): QTSFRAEYKA[Thr577=]GGPAVFQKPV

ClinVar aggregate classification (germline): Likely benign (1 of 4 stars; one submission).

Allele frequency attached by ClinVar (database versions not stated): ExAC 0.00013.
gnomAD v4.1: 82 of 1,598,676 alleles (0.0051%); highest among the groups gnomAD compares: South Asian, 0.011%; no homozygotes.

Submission:

CeGaT Center for Human Genetics Tuebingen
Classification: Likely benign. Last evaluated: 2022-12-01. Review status: criteria provided, single submitter. Criteria: CeGaT Center For Human Genetics Tuebingen Variant Classification Criteria Version 2. Collection method: clinical testing. Allele origin: germline. Affected: yes. Observed: 1 variant allele.
Comment: BRSK2: BP4, BP7